The following is an entry in ClinVar:

ClinVar aggregate classification (germline): Uncertain significance (1 of 4 stars; one submission).

Conditions:
Alstrom syndrome (ALMS). Identifiers: Orphanet 64, MedGen C0268425, MONDO:0008763, OMIM 203800.

Submission:

Labcorp Genetics (formerly Invitae), Labcorp
Classification: Uncertain significance for Alstrom syndrome. Last evaluated: 2025-06-09. Review status: criteria provided, single submitter. Criteria: Invitae Variant Classification Sherloc (09022015). Collection method: clinical testing. Allele origin: germline.
Comment: This sequence change replaces asparagine, which is neutral and polar, with serine, which is neutral and polar, at codon 2432 of the ALMS1 protein (p.Asn2432Ser). This variant is not present in population databases (gnomAD no frequency). This variant has not been reported in the literature in individuals affected with ALMS1-related conditions. Experimental studies and prediction algorithms are not available or were not evaluated, and the functional significance of this variant is currently unknown. In summary, the available evidence is currently insufficient to determine the role of this variant in disease. Therefore, it has been classified as a Variant of Uncertain Significance.

NM_001378454.1(ALMS1):c.7292A>G (p.Asn2431Ser)

Gene: ALMS1 (ALMS1 centrosome and basal body associated protein; plus strand). Cytogenetic location: 2p13.1.
Variant type: single nucleotide variant.
Coding change: c.7292A>G on transcript NM_001378454.1 (MANE Select); coding-DNA position 7292, A replaced by G.
Protein change: p.Asn2431Ser; replaces asparagine 2431 with serine.
Molecular consequence: missense variant.
Genome position (GRCh38, 1-based): chr2:73,453,819, A>G. VCF-style: chr2-73453819-A-G. GRCh37 (hg19) VCF-style: chr2-73680946-A-G.
Other names: c.7295A>G, p.Asn2432Ser (NM_015120.4); short protein forms N2432S, N2431S.
Identifiers: ClinVar variation 4740149 (VCV004740149.1).